The following is an entry in ClinVar:

NM_001042492.3(NF1):c.3028C>T (p.Gln1010Ter)

Gene: NF1 (neurofibromin 1; plus strand). Cytogenetic location: 17q11.2.
Variant type: single nucleotide variant.
Coding change: c.3028C>T on transcript NM_001042492.3 (MANE Select); coding-DNA position 3028, C replaced by T.
Protein change: p.Gln1010Ter; replaces glutamine 1010 with a stop codon.
Molecular consequence: nonsense.
Genome position (GRCh38, 1-based): chr17:31,230,297, C>T. VCF-style: chr17-31230297-C-T. GRCh37 (hg19) VCF-style: chr17-29557315-C-T.
Other names: c.3028C>T, p.Gln1010Ter (NM_000267.4); short protein forms Q1010*.
Identifiers: ClinVar variation 1069645 (VCV001069645.8), dbSNP rs2151431557, ClinGen allele CA398986634.

ClinVar aggregate classification (germline): Pathogenic. Review status: criteria provided, multiple submitters, no conflicts (2 of 4 stars). 4 submissions from 4 submitters: Pathogenic (4). Last evaluated 2026-10-06.

Conditions:
Neurofibromatosis, type 1 (NF1). Also called: Peripheral type neurofibromatosis; NEUROFIBROMATOSIS, TYPE I, SOMATIC; Neurofibromatosis, type I; VON RECKLINGHAUSEN DISEASE. Identifiers: Orphanet 636, MedGen C0027831, MONDO:0018975, OMIM 162200. Disease mechanism: loss of function.

Submissions (4):

NHS Central & South Genomic Laboratory Hub
Classification: Pathogenic for Neurofibromatosis type 1. Last evaluated: 2026-10-06. Review status: criteria provided, single submitter. Criteria: ACMG Guidelines, 2015. Collection method: clinical testing. Allele origin: germline. Affected: yes.

Labcorp Genetics (formerly Invitae), Labcorp
Classification: Pathogenic for Neurofibromatosis, type 1. Last evaluated: 2025-03-09. Review status: criteria provided, single submitter. Criteria: Invitae Variant Classification Sherloc (09022015). Collection method: clinical testing. Allele origin: germline.
Comment: This sequence change creates a premature translational stop signal (p.Gln1010*) in the NF1 gene. It is expected to result in an absent or disrupted protein product. Loss-of-function variants in NF1 are known to be pathogenic (PMID: 10712197, 23913538). This variant is not present in population databases (gnomAD no frequency). This variant has not been reported in the literature in individuals affected with NF1-related conditions. ClinVar contains an entry for this variant (Variation ID: 1069645). For these reasons, this variant has been classified as Pathogenic.

Genome-Nilou Lab
Classification: Pathogenic for Neurofibromatosis, type 1. Last evaluated: 2022-03-15. Review status: criteria provided, single submitter. Criteria: ACMG Guidelines, 2015. Collection method: clinical testing. Allele origin: germline. Affected: no.

Institute for Clinical Genetics, University Hospital TU Dresden, University Hospital TU Dresden
Classification: Pathogenic. Last evaluated: 2021-11-03. Review status: criteria provided, single submitter. Criteria: ACMG Guidelines, 2015. Collection method: clinical testing. Allele origin: germline.

Literature cited by the submitters: PubMed 10712197 (cited by Labcorp Genetics (formerly Invitae), Labcorp); PubMed 23913538 (cited by Labcorp Genetics (formerly Invitae), Labcorp).